The following is an entry in ClinVar:

NM_198578.4(LRRK2):c.4382A>G (p.Gln1461Arg)

Gene: LRRK2 (leucine rich repeat kinase 2; plus strand). Cytogenetic location: 12q12.
Variant type: single nucleotide variant.
Coding change: c.4382A>G on transcript NM_198578.4 (MANE Select); coding-DNA position 4382, A replaced by G.
Protein change: p.Gln1461Arg; replaces glutamine 1461 with arginine.
Molecular consequence: missense variant.
Genome position (GRCh38, 1-based): chr12:40,310,495, A>G. VCF-style: chr12-40310495-A-G. GRCh37 (hg19) VCF-style: chr12-40704297-A-G.
Other names: short protein forms Q1461R.
Identifiers: ClinVar variation 3229646 (VCV003229646.2), dbSNP rs1945003594, ClinGen allele CA384418384.

ClinVar aggregate classification (germline): Uncertain significance (1 of 4 stars; one submission).

Conditions:
Inborn genetic diseases. Identifiers: MedGen C0950123, MeSH D030342.

Allele frequency attached by ClinVar (database versions not stated): gnomAD exomes below 0.00001; TOPMed below 0.00001.

Submission:

Ambry Genetics
Classification: Uncertain significance for Inborn genetic diseases. Last evaluated: 2024-11-09. Review status: criteria provided, single submitter. Criteria: Ambry Variant Classification Scheme 2023. Collection method: clinical testing. Allele origin: germline.
Comment: The p.Q1461R variant (also known as c.4382A>G), located in coding exon 31 of the LRRK2 gene, results from an A to G substitution at nucleotide position 4382. The glutamine at codon 1461 is replaced by arginine, an amino acid with highly similar properties. This amino acid position is conserved. In addition, the in silico prediction for this alteration is inconclusive. Since supporting evidence is limited at this time, the clinical significance of this alteration remains unclear.